The following is an entry in ClinVar:

ClinVar aggregate classification (germline): Uncertain significance (1 of 4 stars; one submission).

Submission:

GeneDx
Classification: Uncertain significance. Last evaluated: 2026-02-24. Review status: criteria provided, single submitter. Criteria: GeneDx Variant Classification Process June 2021. Collection method: clinical testing. Allele origin: germline.
Comment: Not observed at significant frequency in large population cohorts (gnomAD); In silico analysis suggests that this missense variant does not alter protein structure/function; Has not been previously published as pathogenic or benign to our knowledge

NM_001349798.2(FBXW7):c.757T>G (p.Leu253Val)

Genes: FBXW7 (F-box and WD repeat domain containing 7; minus strand), FBXW7-AS1 (FBXW7 antisense RNA 1; plus strand). Cytogenetic location: 4q31.3.
Variant type: single nucleotide variant.
Coding change: c.757T>G on transcript NM_001349798.2 (MANE Select); coding-DNA position 757, T replaced by G.
Protein change: p.Leu253Val; replaces leucine 253 with valine.
Molecular consequence: missense variant. On other transcripts: non-coding transcript variant (1).
Genome position (GRCh38, 1-based): chr4:152,337,906, A>C on the plus strand (T>G on the coding strand, the complement: FBXW7 is on the minus strand). VCF-style: chr4-152337906-A-C. GRCh37 (hg19) VCF-style: chr4-153259058-A-C.
Other names: c.403T>G, p.Leu135Val (NM_001013415.2); c.517T>G, p.Leu173Val (NM_018315.5); c.757T>G, p.Leu253Val (NM_033632.3); short protein forms L253V, L173V, L135V.
Identifiers: ClinVar variation 5007982 (VCV005007982.1).